The following is an entry in ClinVar:

ClinVar aggregate classification (germline): Conflicting classifications of pathogenicity. Review status: criteria provided, conflicting classifications (1 of 4 stars). 2 submissions from 2 submitters: Likely pathogenic (1); Uncertain significance (1). Last evaluated 2025-03-06.

Conditions:
Congenital myasthenic syndrome 13 (CMS13). Also called: Myasthenic syndrome, congenital, with tubular aggregates 2; Myasthenic syndrome, congenital, 13, with tubular aggregates. Identifiers: Orphanet 353327, Orphanet 590, MedGen C3553645, MONDO:0013883, OMIM 614750.

gnomAD v4.1: 22 of 1,614,030 alleles (0.0014%); highest among the groups gnomAD compares: Non-Finnish European, 0.0019%; no homozygotes.

Submissions (2):

Variantyx, Inc.
Classification: Likely pathogenic for Congenital myasthenic syndrome 13. Last evaluated: 2025-03-06. Review status: criteria provided, single submitter. Criteria: Variantyx Assertion Criteria 2022. Collection method: clinical testing. Allele origin: germline. Inheritance: Autosomal recessive inheritance. Affected: yes.
Comment: This is a nonsynonymous variant in the DPAGT1 gene (OMIM: 191350). Pathogenic variants in this gene have been associated with autosomal recessive congenital myasthenic syndrome 13 with tubular aggregates. Functional studies have shown that this variant alters DPAGT1 protein function (PMID: 30388443) (PS3) and multiple computational algorithms predict a deleterious effect for this variant (REVEL score: 0.947) (PP3). This variant has a 0.0020% maximum allele frequency in non-founder control populations (PM2). It has been reported in at least one affected individual who carried a second variant in this gene; however, the phase of these variants could not be determined (PMID: 22742743). Based on the current evidence, this variant is classified as likely pathogenic for autosomal recessive congenital myasthenic syndrome 13 with tubular aggregates.

Blueprint Genetics
Classification: Uncertain significance. Last evaluated: 2023-06-26. Review status: criteria provided, single submitter. Criteria: ACMG Guidelines, 2015. Collection method: clinical testing. Allele origin: germline.

Literature cited by the submitters: PubMed 30388443 (cited by Variantyx, Inc.).

NM_001382.4(DPAGT1):c.478G>A (p.Gly160Ser)

Gene: DPAGT1 (dolichyl-phosphate N-acetylglucosaminephosphotransferase 1; minus strand). Cytogenetic location: 11q23.3.
Variant type: single nucleotide variant.
Coding change: c.478G>A on transcript NM_001382.4 (MANE Select); coding-DNA position 478, G replaced by A.
Protein change: p.Gly160Ser; replaces glycine 160 with serine.
Molecular consequence: missense variant.
Genome position (GRCh38, 1-based): chr11:119,100,648, C>T on the plus strand (G>A on the coding strand, the complement: DPAGT1 is on the minus strand). VCF-style: chr11-119100648-C-T. GRCh37 (hg19) VCF-style: chr11-118971358-C-T.
Other names: short protein forms G160S.
Identifiers: ClinVar variation 4850157 (VCV004850157.2).